The following is an entry in ClinVar:

NM_000548.5(TSC2):c.-30+205A>G

Gene: TSC2 (TSC complex subunit 2; plus strand). Cytogenetic location: 16p13.3.
Variant type: single nucleotide variant.
Coding change: c.-30+205A>G on transcript NM_000548.5 (MANE Select); 205 bases into the intron after 30 bases upstream of the start codon, A replaced by G.
Molecular consequence: intron variant. On other transcripts: missense variant (1), initiator codon variant (1).
Genome position (GRCh38, 1-based): chr16:2,048,270, A>G. VCF-style: chr16-2048270-A-G. GRCh37 (hg19) VCF-style: chr16-2098271-A-G.
Other names: c.1A>G, p.Met1Val (NM_001318832.2); c.-1767+205A>G (NM_001406693.1); c.-30+205A>G (NM_001406667.1, NM_001406668.1, NM_001114382.3 and 13 more transcripts); c.-846+205A>G (NM_001406680.1, NM_001406683.1, NM_001406687.1); c.-1461+205A>G (NM_001406689.1, NM_001406690.1, NM_001406692.1 and 2 more transcripts); c.-1637+205A>G (NM_001406698.1); c.-1342+205A>G (NM_001406694.1, NM_001406695.1); c.-1449+205A>G (NM_001406696.1); and 4 more; short protein forms M1V.
Identifiers: ClinVar variation 3344995 (VCV003344995.1).

ClinVar aggregate classification (germline): Uncertain significance (0 of 4 stars; one submission).

Conditions:
TSC2-related disorder. Also called: TSC2-related condition; TSC2-Related Disorders.

gnomAD v4.1: 3 of 1,232,678 alleles (0.00024%); highest among the groups gnomAD compares: Non-Finnish European, 0.00035%; no homozygotes.

Submission:

PreventionGenetics, part of Exact Sciences
Classification: Uncertain significance for TSC2-related condition. Last evaluated: 2024-05-17. Review status: no assertion criteria provided. Collection method: clinical testing. Allele origin: germline.
Comment: The TSC2 c.1A>G variant is predicted to disrupt the translation initiation site (Start loss). When using the canonical transcript NM_000548, this variant is defined as c.-30+205A>G (Pre-Coding). To our knowledge, this variant has not been reported in the literature or in a large population database, indicating this variant is rare. At this time, the clinical significance of this variant is uncertain due to the absence of conclusive functional and genetic evidence.